The following is an entry in ClinVar:

NM_004304.5(ALK):c.3077C>A (p.Thr1026Asn)

Gene: ALK (ALK receptor tyrosine kinase; minus strand). Cytogenetic location: 2p23.2.
Variant type: single nucleotide variant.
Coding change: c.3077C>A on transcript NM_004304.5 (MANE Select); coding-DNA position 3077, C replaced by A.
Protein change: p.Thr1026Asn; replaces threonine 1026 with asparagine.
Molecular consequence: missense variant.
Genome position (GRCh38, 1-based): chr2:29,225,556, G>T on the plus strand (C>A on the coding strand, the complement: ALK is on the minus strand). VCF-style: chr2-29225556-G-T. GRCh37 (hg19) VCF-style: chr2-29448422-G-T.
Other names: c.3077C>A (NM_004304.4); short protein forms T1026N.
Identifiers: ClinVar variation 2011710 (VCV002011710.5), dbSNP rs1294581592, ClinGen allele CA346467078.

ClinVar aggregate classification (germline): Uncertain significance. Review status: criteria provided, multiple submitters, no conflicts (2 of 4 stars). 2 submissions from 2 submitters: Uncertain significance (2). Last evaluated 2025-12-15.

Conditions:
Hereditary cancer-predisposing syndrome. Also called: Neoplastic Syndromes, Hereditary; Hereditary neoplastic syndrome; Tumor predisposition; Hereditary Cancer Syndrome. Identifiers: Orphanet 140162, MedGen C0027672, MeSH D009386, MONDO:0015356.
Neuroblastoma, susceptibility to, 3. Also called: ALK-Related Neuroblastic Tumor Susceptibility. Identifiers: Orphanet 635, MedGen C2751681, MONDO:0013083, OMIM 613014.

Submissions (2):

Labcorp Genetics (formerly Invitae), Labcorp
Classification: Uncertain significance for Neuroblastoma, susceptibility to, 3. Last evaluated: 2025-12-15. Review status: criteria provided, single submitter. Criteria: Invitae Variant Classification Sherloc (09022015). Collection method: clinical testing. Allele origin: germline.
Comment: This sequence change replaces threonine, which is neutral and polar, with asparagine, which is neutral and polar, at codon 1026 of the ALK protein (p.Thr1026Asn). This variant is not present in population databases (gnomAD no frequency). This variant has not been reported in the literature in individuals affected with ALK-related conditions. ClinVar contains an entry for this variant (Variation ID: 2011710). An algorithm developed to predict the effect of missense changes on protein structure and function (PolyPhen-2) suggests that this variant is likely to be tolerated. In summary, the available evidence is currently insufficient to determine the role of this variant in disease. Therefore, it has been classified as a Variant of Uncertain Significance.

Ambry Genetics
Classification: Uncertain significance for Hereditary cancer-predisposing syndrome. Last evaluated: 2025-01-23. Review status: criteria provided, single submitter. Criteria: Ambry Variant Classification Scheme 2023. Collection method: clinical testing. Allele origin: germline.